The following is an entry in ClinVar:

ClinVar aggregate classification (germline): Uncertain significance (1 of 4 stars; one submission).

Conditions:
Hereditary cancer-predisposing syndrome. Also called: Neoplastic Syndromes, Hereditary; Tumor predisposition; Hereditary neoplastic syndrome; Hereditary Cancer Syndrome. Identifiers: Orphanet 140162, MedGen C0027672, MeSH D009386, MONDO:0015356.

Submission:

Ambry Genetics
Classification: Uncertain significance for Hereditary cancer-predisposing syndrome. Last evaluated: 2023-10-08. Review status: criteria provided, single submitter. Criteria: Ambry Variant Classification Scheme 2023. Collection method: clinical testing. Allele origin: germline.
Comment: The p.R391I variant (also known as c.1172G>T), located in coding exon 8 of the RAD50 gene, results from a G to T substitution at nucleotide position 1172. The arginine at codon 391 is replaced by isoleucine, an amino acid with similar properties. This amino acid position is conserved. In addition, this alteration is predicted to be tolerated by in silico analysis. Since supporting evidence is limited at this time, the clinical significance of this alteration remains unclear.

NM_005732.4(RAD50):c.1172G>T (p.Arg391Ile)

Gene: RAD50 (RAD50 double strand break repair protein; plus strand). Cytogenetic location: 5q31.1.
Variant type: single nucleotide variant.
Coding change: c.1172G>T on transcript NM_005732.4 (MANE Select); coding-DNA position 1172, G replaced by T.
Protein change: p.Arg391Ile; replaces arginine 391 with isoleucine.
Molecular consequence: missense variant.
Genome position (GRCh38, 1-based): chr5:132,588,807, G>T. VCF-style: chr5-132588807-G-T. GRCh37 (hg19) VCF-style: chr5-131924499-G-T.
Other names: short protein forms R391I.
Identifiers: ClinVar variation 3224935 (VCV003224935.1), dbSNP rs2149841133, ClinGen allele CA360942769.